The following is an entry in ClinVar:

ClinVar aggregate classification (germline): Likely pathogenic (1 of 4 stars; one submission).

Conditions:
Autosomal recessive limb-girdle muscular dystrophy type 2J (LGMDR10). Also called: Limb-girdle muscular dystrophy, type 2J; MUSCULAR DYSTROPHY, LIMB-GIRDLE, AUTOSOMAL RECESSIVE 10. Identifiers: Orphanet 140922, MedGen C1837342, MONDO:0012127, OMIM 608807.
Dilated cardiomyopathy 1G (CMD1G). Identifiers: Orphanet 154, MedGen C1858763, MONDO:0011400, OMIM 604145.

Submission:

Labcorp Genetics (formerly Invitae), Labcorp
Classification: Likely pathogenic for Dilated cardiomyopathy 1G; Autosomal recessive limb-girdle muscular dystrophy type 2J. Last evaluated: 2025-10-17. Review status: criteria provided, single submitter. Criteria: Invitae Variant Classification Sherloc (09022015). Collection method: clinical testing. Allele origin: germline.
Comment: This sequence change creates a premature translational stop signal (p.Asp16182Glufs*12) in the TTN gene. While this is not anticipated to result in nonsense mediated decay, it is expected to create a truncated TTN protein. This variant is not present in population databases (gnomAD no frequency). This variant has not been reported in the literature in individuals affected with TTN-related conditions. Algorithms developed to predict the effect of sequence changes on RNA splicing suggest that this variant may disrupt the consensus splice site. This variant is located in the A band of TTN (PMID: 25589632). Truncating variants in this region are significantly overrepresented in patients affected with dilated cardiomyopathy (PMID: 25589632). Truncating variants in this region have also been reported in individuals affected with autosomal recessive centronuclear myopathy (PMID: 23975875). In summary, the currently available evidence indicates that the variant is pathogenic, but additional data are needed to prove that conclusively. Therefore, this variant has been classified as Likely Pathogenic.

Literature cited by the submitters: PubMed 25589632; PubMed 23975875.

NM_001267550.2(TTN):c.48545dup (p.Asp16182fs)

Genes: TTN (titin; minus strand), TTN-AS1 (TTN antisense RNA 1; plus strand). Cytogenetic location: 2q31.2.
Variant type: Duplication.
Coding change: c.48545dup on transcript NM_001267550.2 (MANE Select); coding-DNA position 48545, one base duplicated (A; older notation c.48545dupA).
Protein change: p.Asp16182fs; shifts the reading frame from aspartic acid 16182.
Molecular consequence: frameshift variant.
Genome position (GRCh38, 1-based): chr2:178,615,400, T duplicated on the plus strand (A on the coding strand, the reverse complement: TTN is on the minus strand). VCF-style (leftmost placement, unchanged base first): chr2-178615399-A-AT. GRCh37 (hg19) VCF-style: chr2-179480126-A-AT.
Other names: c.43622dup, p.Asp14541fs (NM_001256850.1); c.21350dup, p.Asp7117fs (NM_003319.4); c.40841dup, p.Asp13614fs (NM_133378.4); c.21725dup, p.Asp7242fs (NM_133432.3); c.21926dup, p.Asp7309fs (NM_133437.4); short protein forms D7309fs, D14541fs, D16182fs, D7117fs, D13614fs, D7242fs.
Identifiers: ClinVar variation 4786452 (VCV004786452.1).